The following is an entry in ClinVar:

NM_001267550.2(TTN):c.4814+5G>A

Genes: TTN (titin; minus strand), LOC101927055 (uncharacterized LOC101927055; plus strand). Cytogenetic location: 2q31.2.
Variant type: single nucleotide variant.
Coding change: c.4814+5G>A on transcript NM_001267550.2 (MANE Select); 5 bases into the intron after coding-DNA position 4814, G replaced by A.
Molecular consequence: intron variant. On other transcripts: non-coding transcript variant (1).
Genome position (GRCh38, 1-based): chr2:178,777,144, C>T on the plus strand (G>A on the coding strand, the complement: TTN is on the minus strand). VCF-style: chr2-178777144-C-T. GRCh37 (hg19) VCF-style: chr2-179641871-C-T.
Other names: c.4676+5G>A (NM_003319.4, NM_133437.4, NM_133432.3); c.4814+5G>A (NM_133378.4, NM_001256850.1, NM_133379.5).
Identifiers: ClinVar variation 3751237 (VCV003751237.2).
Genomic context (GRCh38, chr2:178,777,144, plus strand): 5'-GTGGTATAGCTTCCCTGGTTATTGGATTTGTATAATGAGCTTAGCTTTATTATTTCCATA[C>T]TTACCTGATTTTGGGATATTTATGAGGCACAATGATGTCACTGTTTTTCAACCATACAAT-3'

ClinVar aggregate classification (germline): Uncertain significance (1 of 4 stars; one submission).

Conditions:
Autosomal recessive limb-girdle muscular dystrophy type 2J (LGMDR10). Also called: Limb-girdle muscular dystrophy, type 2J; MUSCULAR DYSTROPHY, LIMB-GIRDLE, AUTOSOMAL RECESSIVE 10. Identifiers: Orphanet 140922, MedGen C1837342, MONDO:0012127, OMIM 608807.
Dilated cardiomyopathy 1G (CMD1G). Identifiers: Orphanet 154, MedGen C1858763, MONDO:0011400, OMIM 604145.

gnomAD v4.1: 1 of 1,614,068 alleles (0.000062%); highest among the groups gnomAD compares: Non-Finnish European, 0.000085%; no homozygotes.

Submission:

Labcorp Genetics (formerly Invitae), Labcorp
Classification: Uncertain significance for Dilated cardiomyopathy 1G; Autosomal recessive limb-girdle muscular dystrophy type 2J. Last evaluated: 2024-08-31. Review status: criteria provided, single submitter. Criteria: Invitae Variant Classification Sherloc (09022015). Collection method: clinical testing. Allele origin: germline.
Comment: This sequence change falls in intron 27 of the TTN gene. It does not directly change the encoded amino acid sequence of the TTN protein. It affects a nucleotide within the consensus splice site. This variant is present in population databases (no rsID available, gnomAD 0.0009%). This variant has not been reported in the literature in individuals affected with TTN-related conditions. Variants that disrupt the consensus splice site are a relatively common cause of aberrant splicing (PMID: 17576681, 9536098). Algorithms developed to predict the effect of sequence changes on RNA splicing suggest that this variant is not likely to affect RNA splicing. This variant is located in the Z band of TTN (PMID: 25589632). Non-truncating variants in this region may be clinically relevant, but have not been definitively shown to cause cardiomyopathy or neuromuscular disease (PMID: 27493940, 32778822). In summary, the available evidence is currently insufficient to determine the role of this variant in disease. Therefore, it has been classified as a Variant of Uncertain Significance.

Literature cited by the submitters: PubMed 17576681; PubMed 9536098; PubMed 25589632; PubMed 27493940; PubMed 32778822.